The following is an entry in ClinVar:

NM_001258392.3(CLPB):c.1018G>A (p.Asp340Asn)

Gene: CLPB (ClpB family mitochondrial disaggregase; minus strand). Cytogenetic location: 11q13.4.
Variant type: single nucleotide variant.
Coding change: c.1018G>A on transcript NM_001258392.3 (MANE Select); coding-DNA position 1018, G replaced by A.
Protein change: p.Asp340Asn; replaces aspartic acid 340 with asparagine.
Molecular consequence: missense variant.
Genome position (GRCh38, 1-based): chr11:72,308,575, C>T on the plus strand (G>A on the coding strand, the complement: CLPB is on the minus strand). VCF-style: chr11-72308575-C-T. GRCh37 (hg19) VCF-style: chr11-72019619-C-T.
Other names: c.931G>A, p.Asp311Asn (NM_001258393.3); c.973G>A, p.Asp325Asn (NM_001258394.3); c.1108G>A, p.Asp370Asn (NM_030813.6); c.1108G>A (NM_030813.3); short protein forms D325N, D311N, D340N, D370N.
Identifiers: ClinVar variation 855610 (VCV000855610.11), dbSNP rs893057489, ClinGen allele CA224391517.

ClinVar aggregate classification (germline): Uncertain significance. Review status: criteria provided, multiple submitters, no conflicts (2 of 4 stars). 4 submissions from 4 submitters: Uncertain significance (4). Last evaluated 2025-03-08.

Conditions:
Inborn genetic diseases. Identifiers: MedGen C0950123, MeSH D030342.
3-methylglutaconic aciduria, type VIIB (MGCA7B). Also called: 3-methylglutaconic aciduria with cataracts, neurologic involvement and neutropenia; CLPB Deficiency; 3-methylglutaconic aciduria, type VII, with cataracts, neurologic involvement and neutropenia. Identifiers: Orphanet 445038, MedGen C5676893, MONDO:0014561, OMIM 616271.

Allele frequency attached by ClinVar (database versions not stated): gnomAD 0.00002; gnomAD exomes 0.00002 and 0.00004; TOPMed 0.00002.
gnomAD v4.1: 57 of 1,614,088 alleles (0.0035%); highest among the groups gnomAD compares: Middle Eastern, 0.033%; no homozygotes.

Submissions (4):

Ambry Genetics
Classification: Uncertain significance for Inborn genetic diseases. Last evaluated: 2025-03-08. Review status: criteria provided, single submitter. Criteria: Ambry Variant Classification Scheme 2023. Collection method: clinical testing. Allele origin: germline.

Labcorp Genetics (formerly Invitae), Labcorp
Classification: Uncertain significance for 3-methylglutaconic aciduria, type VIIB. Last evaluated: 2025-02-10. Review status: criteria provided, single submitter. Criteria: Invitae Variant Classification Sherloc (09022015). Collection method: clinical testing. Allele origin: germline.
Comment: This sequence change replaces aspartic acid, which is acidic and polar, with asparagine, which is neutral and polar, at codon 370 of the CLPB protein (p.Asp370Asn). This variant is present in population databases (no rsID available, gnomAD 0.003%). This variant has not been reported in the literature in individuals affected with CLPB-related conditions. ClinVar contains an entry for this variant (Variation ID: 855610). An algorithm developed to predict the effect of missense changes on protein structure and function (PolyPhen-2) suggests that this variant is likely to be disruptive. In summary, the available evidence is currently insufficient to determine the role of this variant in disease. Therefore, it has been classified as a Variant of Uncertain Significance.

GeneDx
Classification: Uncertain significance. Last evaluated: 2021-10-06. Review status: criteria provided, single submitter. Criteria: GeneDx Variant Classification Process June 2021. Collection method: clinical testing. Allele origin: germline. Affected: yes.
Comment: Not observed at significant frequency in large population cohorts (Lek et al., 2016); In silico analysis supports that this missense variant has a deleterious effect on protein structure/function; Has not been previously published as pathogenic or benign to our knowledge

Breakthrough Genomics
Classification: Uncertain significance. Review status: criteria provided, single submitter. Criteria: ACMG Guidelines, 2015. Collection method: not provided. Allele origin: germline. Inheritance: Autosomal recessive inheritance. Affected: yes.